The following is an entry in ClinVar:

ClinVar aggregate classification (germline): Uncertain significance (1 of 4 stars; one submission).

Submission:

GeneDx
Classification: Uncertain significance. Last evaluated: 2026-07-27. Review status: criteria provided, single submitter. Criteria: GeneDx Variant Classification Process June 2021. Collection method: clinical testing. Allele origin: germline.
Comment: Not observed at significant frequency in large population cohorts (gnomAD); In silico analysis supports that this missense variant does not alter protein structure/function; Has not been previously published as pathogenic or benign to our knowledge

NM_025137.4(SPG11):c.1292C>G (p.Ser431Cys)

Gene: SPG11 (SPG11 vesicle trafficking associated, spatacsin; minus strand). Cytogenetic location: 15q21.1.
Variant type: single nucleotide variant.
Coding change: c.1292C>G on transcript NM_025137.4 (MANE Select); coding-DNA position 1292, C replaced by G.
Protein change: p.Ser431Cys; replaces serine 431 with cysteine.
Molecular consequence: missense variant.
Genome position (GRCh38, 1-based): chr15:44,651,655, G>C on the plus strand (C>G on the coding strand, the complement: SPG11 is on the minus strand). VCF-style: chr15-44651655-G-C. GRCh37 (hg19) VCF-style: chr15-44943853-G-C.
Other names: c.1292C>G, p.Ser431Cys (NM_001160227.2); short protein forms S431C.
Identifiers: ClinVar variation 1697039 (VCV001697039.3), dbSNP rs886051183, ClinGen allele CA392236159.